The following is an entry in ClinVar:

NM_004415.4(DSP):c.6366G>A (p.Met2122Ile)

Gene: DSP (desmoplakin; plus strand). Cytogenetic location: 6p24.3.
Variant type: single nucleotide variant.
Coding change: c.6366G>A on transcript NM_004415.4 (MANE Select); coding-DNA position 6366, G replaced by A.
Protein change: p.Met2122Ile; replaces methionine 2122 with isoleucine.
Molecular consequence: missense variant.
Genome position (GRCh38, 1-based): chr6:7,583,628, G>A. VCF-style: chr6-7583628-G-A. GRCh37 (hg19) VCF-style: chr6-7583861-G-A.
Other names: c.4569G>A, p.Met1523Ile (NM_001008844.3); c.5037G>A, p.Met1679Ile (NM_001319034.2); short protein forms M1523I, M1679I, M2122I.
Identifiers: ClinVar variation 4757499 (VCV004757499.1).

ClinVar aggregate classification (germline): Uncertain significance (1 of 4 stars; one submission).

Conditions:
Cardiomyopathy (CMYO). Also called: Cardiomyopathies. Identifiers: Orphanet 167848, MedGen C0878544, MONDO:0004994, HP:0001638. Inheritance: Various modes of inheritance.

Submission:

Color Diagnostics, LLC DBA Color Health
Classification: Uncertain significance for Cardiomyopathy. Last evaluated: 2025-06-30. Review status: criteria provided, single submitter. Criteria: ACMG Guidelines, 2015. Collection method: clinical testing. Allele origin: germline.
Comment: This missense variant replaces methionine with isoleucine at codon 2122 of the DSP protein. Computational prediction suggests that this variant may not impact protein structure and function. To our knowledge, functional studies have not been reported for this variant. This variant has not been reported in individuals affected with DSP-related disorders in the literature. This variant has not been identified in the general population by the Genome Aggregation Database (gnomAD). The available evidence is insufficient to determine the role of this variant in disease conclusively. Therefore, this variant is classified as a Variant of Uncertain Significance.